The following is an entry in ClinVar:

ClinVar aggregate classification (germline): Pathogenic (1 of 4 stars; one submission).

Conditions:
Ehlers-Danlos syndrome, classic type, 1 (EDSCL1). Also called: EHLERS-DANLOS SYNDROME, GRAVIS TYPE; EHLERS-DANLOS SYNDROME, SEVERE CLASSIC TYPE; Ehlers-Danlos syndrome, type 1; Ehlers-Danlos Syndrome, Classic Type, COL5A1-Related; EDS I. Identifiers: MedGen C0268335, MONDO:0019567, OMIM 130000.

Submission:

Labcorp Genetics (formerly Invitae), Labcorp
Classification: Pathogenic for Ehlers-Danlos syndrome, classic type, 1. Last evaluated: 2024-09-24. Review status: criteria provided, single submitter. Criteria: Invitae Variant Classification Sherloc (09022015). Collection method: clinical testing. Allele origin: germline.
Comment: This sequence change creates a premature translational stop signal (p.Pro765Leufs*39) in the COL5A1 gene. It is expected to result in an absent or disrupted protein product. Loss-of-function variants in COL5A1 are known to be pathogenic (PMID: 23587214). This variant is not present in population databases (gnomAD no frequency). This variant has not been reported in the literature in individuals affected with COL5A1-related conditions. For these reasons, this variant has been classified as Pathogenic.

Literature cited by the submitters: PubMed 23587214.

NM_000093.5(COL5A1):c.2294del (p.Pro765fs)

Gene: COL5A1 (collagen type V alpha 1 chain; plus strand). Cytogenetic location: 9q34.3.
Variant type: Deletion.
Coding change: c.2294del on transcript NM_000093.5 (MANE Select); coding-DNA position 2294, one base deleted (C; older notation c.2294delC).
Protein change: p.Pro765fs; shifts the reading frame from proline 765.
Molecular consequence: frameshift variant.
Genome position (GRCh38, 1-based): chr9:134,772,797, C deleted; the last of 3 consecutive C bases (chr9:134,772,795-134,772,797); deleting any one gives the same sequence. VCF-style (leftmost placement, unchanged base first): chr9-134772794-AC-A. GRCh37 (hg19) VCF-style: chr9-137664640-AC-A.
Other names: c.2294del, p.Pro765fs (NM_001278074.1); short protein forms P765fs.
Identifiers: ClinVar variation 3721461 (VCV003721461.2).